The following is an entry in ClinVar:

ClinVar aggregate classification (germline): Uncertain significance. Review status: criteria provided, multiple submitters, no conflicts (2 of 4 stars). 3 submissions from 3 submitters: Uncertain significance (3). Last evaluated 2025-06-04.

Conditions:
RYR1-related disorder. Also called: RYR1-related disorders; RYR1-related condition. Identifiers: MedGen CN239331.
Malignant hyperthermia, susceptibility to, 1 (MHS1). Also called: Anesthesia related hyperthermia; Malignant hyperpyrexia; Fulminating hyperpyrexia; Pharmacogenic myopathy; RYR1-Related Malignant Hyperthermia Susceptibility; Malignant hyperthermia suceptibility 1. Identifiers: Orphanet 423, MedGen C2930980, MONDO:0007783, OMIM 145600.

Allele frequency attached by ClinVar (database versions not stated): ExAC 0.00002; gnomAD exomes 0.00002 and 0.00003; TOPMed 0.00002; gnomAD 0.00003 and 0.00004.
gnomAD v4.1: 47 of 1,610,294 alleles (0.0029%); highest among the groups gnomAD compares: East Asian, 0.0067%; no homozygotes.

Submissions (3):

Color Diagnostics, LLC DBA Color Health
Classification: Uncertain significance for Malignant hyperthermia, susceptibility to, 1. Last evaluated: 2025-06-04. Review status: criteria provided, single submitter. Criteria: ACMG Guidelines, 2015. Collection method: clinical testing. Allele origin: germline.
Comment: This missense variant replaces alanine with valine at codon 3431 of the RYR1 protein. Computational prediction is inconclusive regarding the impact of this variant on protein structure and function. To our knowledge, functional studies have not been reported for this variant. This variant has not been reported in individuals affected with malignant hyperthermia susceptibility, although it has been reported in an individual affected with central core disease (PMID: 35627144). This variant has been identified in 6/244520 chromosomes in the general population by the Genome Aggregation Database (gnomAD). The available evidence is insufficient to determine the role of this variant in disease conclusively. Therefore, this variant is classified as a Variant of Uncertain Significance.

Labcorp Genetics (formerly Invitae), Labcorp
Classification: Uncertain significance for RYR1-related disorder. Last evaluated: 2024-10-18. Review status: criteria provided, single submitter. Criteria: Invitae Variant Classification Sherloc (09022015). Collection method: clinical testing. Allele origin: germline.
Comment: This sequence change replaces alanine, which is neutral and non-polar, with valine, which is neutral and non-polar, at codon 3431 of the RYR1 protein (p.Ala3431Val). This variant is present in population databases (rs561605726, gnomAD 0.006%). This missense change has been observed in individual(s) with autosomal recessive RYR1-related conditions (PMID: 35627144). ClinVar contains an entry for this variant (Variation ID: 593190). Invitae Evidence Modeling of protein sequence and biophysical properties (such as structural, functional, and spatial information, amino acid conservation, physicochemical variation, residue mobility, and thermodynamic stability) indicates that this missense variant is not expected to disrupt RYR1 protein function with a negative predictive value of 80%. In summary, the available evidence is currently insufficient to determine the role of this variant in disease. Therefore, it has been classified as a Variant of Uncertain Significance.

Eurofins Ntd Llc (ga)
Classification: Uncertain significance. Last evaluated: 2017-07-27. Review status: criteria provided, single submitter. Criteria: EGL Classification Definitions 2015. Collection method: clinical testing. Allele origin: germline. Observed: 2 variant alleles, 2 heterozygotes.

Literature cited by the submitters: PubMed 35627144 (cited by Color Diagnostics, LLC DBA Color Health and Labcorp Genetics (formerly Invitae), Labcorp).

NM_000540.3(RYR1):c.10292C>T (p.Ala3431Val)

Gene: RYR1 (ryanodine receptor 1; plus strand). Cytogenetic location: 19q13.2.
Variant type: single nucleotide variant.
Coding change: c.10292C>T on transcript NM_000540.3 (MANE Select); coding-DNA position 10292, C replaced by T.
Protein change: p.Ala3431Val; replaces alanine 3431 with valine.
Molecular consequence: missense variant.
Genome position (GRCh38, 1-based): chr19:38,523,060, C>T. VCF-style: chr19-38523060-C-T. GRCh37 (hg19) VCF-style: chr19-39013700-C-T.
Other names: c.10292C>T, p.Ala3431Val (NM_001042723.2); short protein forms A3431V.
Identifiers: ClinVar variation 593190 (VCV000593190.10), dbSNP rs561605726, ClinGen allele CA053040.